The following is an entry in ClinVar:

ClinVar aggregate classification (germline): Benign/Likely benign. Review status: criteria provided, multiple submitters, no conflicts (2 of 4 stars). 5 submissions from 5 submitters: Benign (1); Likely benign (4). Last evaluated 2026-06-01.

Allele frequency attached by ClinVar (database versions not stated): 1000 Genomes Project 30x 0.00031; 1000 Genomes Project 0.00040; TOPMed 0.00068; ESP Exome Variant Server 0.00157.
gnomAD v4.1: 1,327 of 1,606,192 alleles (0.083%); highest among the groups gnomAD compares: Middle Eastern, 1.4%; 2 homozygotes.

Submissions (5):

CeGaT Center for Human Genetics Tuebingen
Classification: Likely benign. Last evaluated: 2026-06-01. Review status: criteria provided, single submitter. Criteria: CeGaT Center For Human Genetics Tuebingen Variant Classification Criteria Version 2. Collection method: clinical testing. Allele origin: germline. Affected: yes. Observed: 11 variant alleles.
Comment: KMT2B: BP4, BP7

Labcorp Genetics (formerly Invitae), Labcorp
Classification: Likely benign. Last evaluated: 2026-01-09. Review status: criteria provided, single submitter. Criteria: Invitae Variant Classification Sherloc (09022015). Collection method: clinical testing. Allele origin: germline.

Blueprint Genetics
Classification: Likely benign. Last evaluated: 2024-11-25. Review status: criteria provided, single submitter. Criteria: ACMG Guidelines, 2015. Collection method: clinical testing. Allele origin: germline.

GeneDx
Classification: Benign. Last evaluated: 2021-01-27. Review status: criteria provided, single submitter. Criteria: GeneDx Variant Classification Process June 2021. Collection method: clinical testing. Allele origin: germline. Affected: yes.

Breakthrough Genomics
Classification: Likely benign. Review status: criteria provided, single submitter. Criteria: ACMG Guidelines, 2015. Collection method: not provided. Allele origin: germline. Inheritance: Autosomal dominant inheritance. Affected: yes.

NM_014727.3(KMT2B):c.6249G>T (p.Thr2083=)

Gene: KMT2B (lysine methyltransferase 2B; plus strand). Cytogenetic location: 19q13.12.
Variant type: single nucleotide variant.
Coding change: c.6249G>T on transcript NM_014727.3 (MANE Select); coding-DNA position 6249, G replaced by T.
Protein change: p.Thr2083=; no amino-acid change (threonine 2083 retained).
Molecular consequence: synonymous variant.
Genome position (GRCh38, 1-based): chr19:35,732,798, G>T. VCF-style: chr19-35732798-G-T. GRCh37 (hg19) VCF-style: chr19-36223699-G-T.
Identifiers: ClinVar variation 732440 (VCV000732440.47), dbSNP rs375564425, ClinGen allele CA9385644.